The following is an entry in ClinVar:

ClinVar aggregate classification (germline): Uncertain significance (1 of 4 stars; one submission).

Allele frequency attached by ClinVar (database versions not stated): gnomAD exomes below 0.00001; ExAC 0.00001; gnomAD 0.00001; TOPMed 0.00001.
gnomAD v4.1: 3 of 1,613,624 alleles (0.00019%); highest among the groups gnomAD compares: African/African-American, 0.004%; no homozygotes.

Submission:

GeneDx
Classification: Uncertain significance. Last evaluated: 2022-01-17. Review status: criteria provided, single submitter. Criteria: GeneDx Variant Classification Process June 2021. Collection method: clinical testing. Allele origin: germline. Affected: yes.
Comment: Not observed at significant frequency in large population cohorts (gnomAD); In silico analysis supports that this missense variant has a deleterious effect on protein structure/function; Has not been previously published as pathogenic or benign to our knowledge

NM_015466.4(PTPN23):c.758A>C (p.His253Pro)

Gene: PTPN23 (protein tyrosine phosphatase non-receptor type 23; plus strand). Cytogenetic location: 3p21.31.
Variant type: single nucleotide variant.
Coding change: c.758A>C on transcript NM_015466.4 (MANE Select); coding-DNA position 758, A replaced by C.
Protein change: p.His253Pro; replaces histidine 253 with proline.
Molecular consequence: missense variant.
Genome position (GRCh38, 1-based): chr3:47,406,611, A>C. VCF-style: chr3-47406611-A-C. GRCh37 (hg19) VCF-style: chr3-47448101-A-C.
Other names: c.380A>C, p.His127Pro (NM_001304482.2); short protein forms H127P, H253P.
Identifiers: ClinVar variation 1696927 (VCV001696927.2), dbSNP rs762047375, ClinGen allele CA2365444.